The following is an entry in ClinVar:

ClinVar aggregate classification (germline): Benign (1 of 4 stars; one submission).

Allele frequency attached by ClinVar (database versions not stated): 1000 Genomes Project 0.00020; 1000 Genomes Project 30x 0.00031; TOPMed 0.00066; gnomAD 0.00076; gnomAD exomes 0.00088; ExAC 0.00121.
gnomAD v4.1: 389 of 455,928 alleles (0.085%); highest among the groups gnomAD compares: Middle Eastern, 2%; 5 homozygotes.

Submission:

CeGaT Center for Human Genetics Tuebingen
Classification: Benign. Last evaluated: 2022-09-01. Review status: criteria provided, single submitter. Criteria: CeGaT Center For Human Genetics Tuebingen Variant Classification Criteria Version 2. Collection method: clinical testing. Allele origin: germline. Affected: yes. Observed: 3 variant alleles.
Comment: KCNQ3: BS1, BS2

NM_004519.4(KCNQ3):c.387-1035C>T

Gene: KCNQ3 (potassium voltage-gated channel subfamily Q member 3; minus strand). Cytogenetic location: 8q24.22.
Variant type: single nucleotide variant.
Coding change: c.387-1035C>T on transcript NM_004519.4 (MANE Select); 1035 bases into the intron before coding-DNA position 387, C replaced by T.
Molecular consequence: intron variant.
Genome position (GRCh38, 1-based): chr8:132,187,216, G>A on the plus strand (C>T on the coding strand, the complement: KCNQ3 is on the minus strand). VCF-style: chr8-132187216-G-A. GRCh37 (hg19) VCF-style: chr8-133199463-G-A.
Other names: c.27-1035C>T (NM_001204824.2).
Identifiers: ClinVar variation 1711680 (VCV001711680.30), dbSNP rs186536459, ClinGen allele CA4880948.
Genomic context (GRCh38, chr8:132,187,216, plus strand): 5'-TACTCCAGGTACTCTGGTTTTCTACTCTACTTAGGTTCTACCCATGCTTTTTTGGCTTTT[G>A]TTCATTCATTCATTCAATATTTAAATGGCAGACGTTGCGCATACAGAGCTGGAATTCAAT-3'